The following is an entry in ClinVar:

NM_004484.4(GPC3):c.405A>G (p.Pro135=)

Gene: GPC3 (glypican 3; minus strand). Cytogenetic location: Xq26.2.
Variant type: single nucleotide variant.
Coding change: c.405A>G on transcript NM_004484.4 (MANE Select); coding-DNA position 405, A replaced by G.
Protein change: p.Pro135=; no amino-acid change (proline 135 retained).
Molecular consequence: synonymous variant.
Genome position (GRCh38, 1-based): chrX:133,754,109, T>C on the plus strand (A>G on the coding strand, the complement: GPC3 is on the minus strand). VCF-style: chrX-133754109-T-C. GRCh37 (hg19) VCF-style: chrX-132888136-T-C.
Other names: c.405A>G, p.Pro135= (NM_001164617.2); c.357A>G, p.Pro119= (NM_001164618.2); c.243A>G, p.Pro81= (NM_001164619.2).
Identifiers: ClinVar variation 4084770 (VCV004084770.8).

ClinVar aggregate classification (germline): Likely benign (1 of 4 stars; one submission).

Submission:

CeGaT Center for Human Genetics Tuebingen
Classification: Likely benign. Last evaluated: 2025-08-01. Review status: criteria provided, single submitter. Criteria: CeGaT Center For Human Genetics Tuebingen Variant Classification Criteria Version 2. Collection method: clinical testing. Allele origin: germline. Affected: yes. Observed: 1 variant allele.
Comment: GPC3: PM2:Supporting, BP4, BP7